The following is an entry in ClinVar:

NM_015570.4(AUTS2):c.2603A>G (p.His868Arg)

Gene: AUTS2 (activator of transcription and developmental regulator AUTS2; plus strand). Cytogenetic location: 7q11.22.
Variant type: single nucleotide variant.
Coding change: c.2603A>G on transcript NM_015570.4 (MANE Select); coding-DNA position 2603, A replaced by G.
Protein change: p.His868Arg; replaces histidine 868 with arginine.
Molecular consequence: missense variant.
Genome position (GRCh38, 1-based): chr7:70,789,819, A>G. VCF-style: chr7-70789819-A-G. GRCh37 (hg19) VCF-style: chr7-70254805-A-G.
Other names: c.2531A>G, p.His844Arg (NM_001127231.3); short protein forms H844R, H868R.
Identifiers: ClinVar variation 2507297 (VCV002507297.1), dbSNP rs2484974772, ClinGen allele CA367664444.
Genomic context (GRCh38, chr7:70,789,819, plus strand): 5'-AGAAGAGACACTCCAGCCACCCTTCACCAGCACCTGTCCTCCCGGTGAATGCCCTGGGAC[A>G]TACCCGCAGCTCCACTGAACAGATCCGGGCTCATCTGAACACTGAGGCTCGGGAGAAGGA-3'
Protein context (NP_056385.1, residues 858-878): APVLPVNALG[His868Arg]TRSSTEQIRA

ClinVar aggregate classification (germline): Uncertain significance (1 of 4 stars; one submission).

Submission:

GeneDx
Classification: Uncertain significance. Last evaluated: 2022-12-29. Review status: criteria provided, single submitter. Criteria: GeneDx Variant Classification Process June 2021. Collection method: clinical testing. Allele origin: germline. Affected: yes.
Comment: Not observed at significant frequency in large population cohorts (gnomAD); In silico analysis supports that this missense variant has a deleterious effect on protein structure/function; Has not been previously published as pathogenic or benign to our knowledge